The following is an entry in ClinVar:

NM_152564.5(VPS13B):c.6698T>C (p.Leu2233Pro)

Gene: VPS13B (vacuolar protein sorting 13 homolog B; plus strand). Cytogenetic location: 8q22.2.
Variant type: single nucleotide variant.
Coding change: c.6698T>C on transcript NM_152564.5 (MANE Select); coding-DNA position 6698, T replaced by C.
Protein change: p.Leu2233Pro; replaces leucine 2233 with proline.
Molecular consequence: missense variant.
Genome position (GRCh38, 1-based): chr8:99,720,385, T>C. VCF-style: chr8-99720385-T-C. GRCh37 (hg19) VCF-style: chr8-100732613-T-C.
Other names: c.6773T>C, p.Leu2258Pro (NM_017890.5); c.6698T>C (NM_152564.4); short protein forms L2233P, L2258P.
Identifiers: ClinVar variation 956291 (VCV000956291.8), dbSNP rs776873589, ClinGen allele CA4824076.

ClinVar aggregate classification (germline): Uncertain significance. Review status: criteria provided, single submitter (1 of 4 stars). 2 submissions from 2 submitters: Uncertain significance (1). 1 of the submissions does not count toward it. Last evaluated 2025-02-26.

Conditions:
Cohen syndrome (COH1). Also called: PEPPER SYNDROME; Cutis verticis gyrata, retinitis pigmentosa, and sensorineural deafness. Identifiers: Orphanet 193, MedGen C0265223, MONDO:0008999, OMIM 216550.
VPS13B-related disorder. Also called: VPS13B-related condition.

Allele frequency attached by ClinVar (database versions not stated): ExAC 0.00001; gnomAD 0.00001; gnomAD exomes 0.00001.
gnomAD v4.1: 8 of 1,613,654 alleles (0.0005%); highest among the groups gnomAD compares: Non-Finnish European, 0.00068%; no homozygotes.

Submissions (2):

Labcorp Genetics (formerly Invitae), Labcorp
Classification: Uncertain significance for Cohen syndrome. Last evaluated: 2025-02-26. Review status: criteria provided, single submitter. Criteria: Invitae Variant Classification Sherloc (09022015). Collection method: clinical testing. Allele origin: germline.
Comment: This sequence change replaces leucine, which is neutral and non-polar, with proline, which is neutral and non-polar, at codon 2258 of the VPS13B protein (p.Leu2258Pro). This variant is present in population databases (rs776873589, gnomAD 0.003%). This variant has not been reported in the literature in individuals affected with VPS13B-related conditions. ClinVar contains an entry for this variant (Variation ID: 956291). Invitae Evidence Modeling of protein sequence and biophysical properties (such as structural, functional, and spatial information, amino acid conservation, physicochemical variation, residue mobility, and thermodynamic stability) indicates that this missense variant is expected to disrupt VPS13B protein function with a positive predictive value of 80%. In summary, the available evidence is currently insufficient to determine the role of this variant in disease. Therefore, it has been classified as a Variant of Uncertain Significance.

PreventionGenetics, part of Exact Sciences
Classification: Likely pathogenic for VPS13B-related condition. Last evaluated: 2024-07-04. Review status: no assertion criteria provided. Collection method: clinical testing. Allele origin: germline. Not counted in ClinVar's aggregate classification.
Comment: The VPS13B c.6698T>C variant is predicted to result in the amino acid substitution p.Leu2233Pro. To our knowledge, this variant has not been reported in the literature. This variant is reported in 0.0026% of alleles in individuals of European (Non-Finnish) descent in gnomAD. This variant is interpreted as likely pathogenic.